The following is an entry in ClinVar:

NM_001369268.1(ACAN):c.716A>G (p.Asn239Ser)

Gene: ACAN (aggrecan; plus strand). Cytogenetic location: 15q26.1.
Variant type: single nucleotide variant.
Coding change: c.716A>G on transcript NM_001369268.1 (MANE Select); coding-DNA position 716, A replaced by G.
Protein change: p.Asn239Ser; replaces asparagine 239 with serine.
Molecular consequence: missense variant.
Genome position (GRCh38, 1-based): chr15:88,841,826, A>G. VCF-style: chr15-88841826-A-G. GRCh37 (hg19) VCF-style: chr15-89385057-A-G.
Other names: c.716A>G, p.Asn239Ser (NM_001135.4, NM_001411096.1, NM_001411097.1 and 1 more transcripts); short protein forms N239S.
Identifiers: ClinVar variation 2969790 (VCV002969790.3), dbSNP rs757955838, ClinGen allele CA7719328.

ClinVar aggregate classification (germline): Uncertain significance (1 of 4 stars; one submission).

Allele frequency attached by ClinVar (database versions not stated): ExAC 0.00001; gnomAD 0.00001; gnomAD exomes 0.00001.
gnomAD v4.1: 12 of 1,613,210 alleles (0.00074%); highest among the groups gnomAD compares: Admixed American, 0.012%; no homozygotes.

Submission:

Labcorp Genetics (formerly Invitae), Labcorp
Classification: Uncertain significance. Last evaluated: 2024-08-05. Review status: criteria provided, single submitter. Criteria: Invitae Variant Classification Sherloc (09022015). Collection method: clinical testing. Allele origin: germline.
Comment: This sequence change replaces asparagine, which is neutral and polar, with serine, which is neutral and polar, at codon 239 of the ACAN protein (p.Asn239Ser). This variant is present in population databases (rs757955838, gnomAD 0.02%). This variant has not been reported in the literature in individuals affected with ACAN-related conditions. Advanced modeling of protein sequence and biophysical properties (such as structural, functional, and spatial information, amino acid conservation, physicochemical variation, residue mobility, and thermodynamic stability) performed at Invitae indicates that this missense variant is not expected to disrupt ACAN protein function with a negative predictive value of 80%. In summary, the available evidence is currently insufficient to determine the role of this variant in disease. Therefore, it has been classified as a Variant of Uncertain Significance.